The following is an entry in ClinVar:

ClinVar aggregate classification (germline): Likely benign (0 of 4 stars; one submission).

Conditions:
SORL1-related disorder. Also called: SORL1-related condition.

Submission:

PreventionGenetics, part of Exact Sciences
Classification: Likely benign for SORL1-related condition. Last evaluated: 2019-07-10. Review status: no assertion criteria provided. Collection method: clinical testing. Allele origin: germline.
Comment: This variant is classified as likely benign based on ACMG/AMP sequence variant interpretation guidelines (Richards et al. 2015 PMID: 25741868, with internal and published modifications).

NM_003105.6(SORL1):c.759-9_759-8dup

Gene: SORL1 (sortilin related receptor 1; plus strand). Cytogenetic location: 11q24.1.
Variant type: Duplication.
Coding change: c.759-9_759-8dup on transcript NM_003105.6 (MANE Select); 9 bases into the intron before coding-DNA position 759 through 8 bases into the intron before coding-DNA position 759, 2 bases duplicated (TT; older notation c.759-9_759-8dupTT).
Molecular consequence: intron variant.
Genome position (GRCh38, 1-based): chr11:121,496,860-121,496,861, TT duplicated; duplicating any 2 consecutive bases within chr11:121,496,849-121,496,861 gives the same sequence; the c. name uses the placement nearest the transcript's 3' end. VCF-style (leftmost placement, unchanged base first): chr11-121496848-C-CTT. GRCh37 (hg19) VCF-style: chr11-121367557-C-CTT.
Identifiers: ClinVar variation 3049956 (VCV003049956.2), dbSNP rs112421669, ClinGen allele CA6328466.